The following is an entry in ClinVar:

NC_000002.11:g.(?_236791969)_(236877287_?)del

Gene: AGAP1 (ArfGAP with GTPase domain, ankyrin repeat and PH domain 1; plus strand). Cytogenetic location: 2q37.2.
Variant type: Deletion.
Identifiers: ClinVar variation 3247547 (VCV003247547.1).

ClinVar aggregate classification (germline): Uncertain significance (1 of 4 stars; one submission).

Submission:

Labcorp Genetics (formerly Invitae), Labcorp
Classification: Uncertain significance. Last evaluated: 2023-10-11. Review status: criteria provided, single submitter. Criteria: Invitae Variant Classification Sherloc (09022015). Collection method: clinical testing. Allele origin: unknown.
Comment: This variant is a gross deletion of the genomic region encompassing exon(s) 10-12 of the AGAP1 gene. This deletion is out-of-frame, and is expected to create a premature translational stop signal and result in an absent or disrupted protein product. However, the current clinical and genetic evidence is not sufficient to establish whether loss-of-function variants in AGAP1 cause disease. This variant has not been reported in the literature in individuals affected with AGAP1-related conditions. In summary, the available evidence is currently insufficient to determine the role of this variant in disease. Therefore, it has been classified as a Variant of Uncertain Significance.